The following is an entry in ClinVar:

NM_001042492.3(NF1):c.2525del (p.Gly842fs)

Gene: NF1 (neurofibromin 1; plus strand). Cytogenetic location: 17q11.2.
Variant type: Deletion.
Coding change: c.2525del on transcript NM_001042492.3 (MANE Select); coding-DNA position 2525, one base deleted (G; older notation c.2525delG).
Protein change: p.Gly842fs; shifts the reading frame from glycine 842.
Molecular consequence: frameshift variant.
Genome position (GRCh38, 1-based): chr17:31,229,140, G deleted; the last of 2 consecutive G bases (chr17:31,229,139-31,229,140); deleting either gives the same sequence. VCF-style (leftmost placement, unchanged base first): chr17-31229138-TG-T. GRCh37 (hg19) VCF-style: chr17-29556156-TG-T.
Other names: c.2525delG (NM_000267.3); c.2525delG, p.Gly842Alafs (NM_000267.4); short protein forms G842fs.
Identifiers: ClinVar variation 649295 (VCV000649295.4), dbSNP rs1597715284, ClinGen allele CA915949786.
Genomic context (GRCh38, chr17:31,229,138, plus strand): 5'-TGGAGGAGGATCCATAGATTTGTCTGACACAGACTCCCTACAGGAATGGATCAACATGAC[TG>T]GCTTCCTTTGTGCCCTTGGGGGAGTGTGCCTCCAGCAGAGAAGCAATTCTGGCCTGGCAA-3'

ClinVar aggregate classification (germline): Pathogenic (1 of 4 stars; one submission).

Conditions:
Neurofibromatosis, type 1 (NF1). Also called: VON RECKLINGHAUSEN DISEASE; Neurofibromatosis, type I; NEUROFIBROMATOSIS, TYPE I, SOMATIC; Peripheral type neurofibromatosis. Identifiers: Orphanet 636, MedGen C0027831, MONDO:0018975, OMIM 162200. Disease mechanism: loss of function.

Submission:

Labcorp Genetics (formerly Invitae), Labcorp
Classification: Pathogenic for Neurofibromatosis, type 1. Last evaluated: 2023-10-23. Review status: criteria provided, single submitter. Criteria: Invitae Variant Classification Sherloc (09022015). Collection method: clinical testing. Allele origin: germline.
Comment: This sequence change creates a premature translational stop signal (p.Gly842Alafs*36) in the NF1 gene. It is expected to result in an absent or disrupted protein product. Loss-of-function variants in NF1 are known to be pathogenic (PMID: 10712197, 23913538). This variant is not present in population databases (gnomAD no frequency). This variant has not been reported in the literature in individuals affected with NF1-related conditions. ClinVar contains an entry for this variant (Variation ID: 649295). For these reasons, this variant has been classified as Pathogenic.

Literature cited by the submitters: PubMed 10712197; PubMed 23913538.